The following is an entry in ClinVar:

NM_000283.4(PDE6B):c.1635C>T (p.Phe545=)

Gene: PDE6B (phosphodiesterase 6B; plus strand). Cytogenetic location: 4p16.3.
Variant type: single nucleotide variant.
Coding change: c.1635C>T on transcript NM_000283.4 (MANE Select); coding-DNA position 1635, C replaced by T.
Protein change: p.Phe545=; no amino-acid change (phenylalanine 545 retained).
Molecular consequence: synonymous variant.
Genome position (GRCh38, 1-based): chr4:662,154, C>T. VCF-style: chr4-662154-C-T. GRCh37 (hg19) VCF-style: chr4-655943-C-T.
Other names: c.1635C>T, p.Phe545= (NM_001145291.2); c.798C>T, p.Phe266= (NM_001145292.2, NM_001350154.3, NM_001379246.1 and 1 more transcripts); c.480C>T, p.Phe160= (NM_001350155.3).
Identifiers: ClinVar variation 349382 (VCV000349382.15), dbSNP rs141813304, ClinGen allele CA2794626.

ClinVar aggregate classification (germline): Conflicting classifications of pathogenicity. Review status: criteria provided, conflicting classifications (1 of 4 stars). 4 submissions from 3 submitters: Uncertain significance (1); Benign (2); Likely benign (1). Last evaluated 2026-01-26.

Conditions:
Retinitis pigmentosa (RP). Identifiers: Orphanet 791, MedGen C0035334, MeSH D012174, MONDO:0019200, OMIM 268000. Inheritance: Autosomal dominant, autosomal recessive and X linked inheritance.
Congenital stationary night blindness autosomal dominant 2. Also called: NIGHT BLINDNESS, CONGENITAL STATIONARY, RAMBUSCH TYPE. Identifiers: Orphanet 215, MedGen C1876182, MONDO:0008099, OMIM 163500.

Allele frequency attached by ClinVar (database versions not stated): ExAC 0.00293; gnomAD 0.00415 and 0.00436; gnomAD exomes 0.00041 and 0.00106; ESP Exome Variant Server 0.00416; TOPMed 0.00470; 1000 Genomes Project 30x 0.00687; 1000 Genomes Project 0.00699.
gnomAD v4.1: 1,268 of 1,569,064 alleles (0.081%); highest among the groups gnomAD compares: African/African-American, 1.5%; 9 homozygotes.

Submissions (4):

Labcorp Genetics (formerly Invitae), Labcorp
Classification: Benign. Last evaluated: 2026-01-26. Review status: criteria provided, single submitter. Criteria: Invitae Variant Classification Sherloc (09022015). Collection method: clinical testing. Allele origin: germline.

Blueprint Genetics
Classification: Likely benign. Last evaluated: 2024-09-09. Review status: criteria provided, single submitter. Criteria: ACMG Guidelines, 2015. Collection method: clinical testing. Allele origin: germline.

Illumina Laboratory Services, Illumina
Classification: Benign for Congenital stationary night blindness autosomal dominant 2. Last evaluated: 2018-01-13. Review status: criteria provided, single submitter. Criteria: ICSL Variant Classification Criteria 13 December 2019. Collection method: clinical testing. Allele origin: germline.
Comment: This variant was observed in the ICSL laboratory as part of a predisposition screen in an ostensibly healthy population. It had not been previously curated by ICSL or reported in the Human Gene Mutation Database (HGMD: prior to June 1st, 2018), and was therefore a candidate for classification through an automated scoring system. Utilizing variant allele frequency, disease prevalence and penetrance estimates, and inheritance mode, an automated score was calculated to assess if this variant is too frequent to cause the disease. Based on the score and internal cut-off values, a variant classified as benign is not then subjected to further curation. The score for this variant resulted in a classification of benign for this disease.

Illumina Laboratory Services, Illumina
Classification: Uncertain significance for Retinitis pigmentosa. Last evaluated: 2018-01-13. Review status: criteria provided, single submitter. Criteria: ICSL Variant Classification Criteria 13 December 2019. Collection method: clinical testing. Allele origin: germline.